The following is an entry in ClinVar:

NM_003978.5(PSTPIP1):c.83G>A (p.Arg28Gln)

Gene: PSTPIP1 (proline-serine-threonine phosphatase interacting protein 1; plus strand). Cytogenetic location: 15q24.3.
Variant type: single nucleotide variant.
Coding change: c.83G>A on transcript NM_003978.5 (MANE Select); coding-DNA position 83, G replaced by A.
Protein change: p.Arg28Gln; replaces arginine 28 with glutamine.
Molecular consequence: missense variant. On other transcripts: non-coding transcript variant (1).
Genome position (GRCh38, 1-based): chr15:77,018,194, G>A. VCF-style: chr15-77018194-G-A. GRCh37 (hg19) VCF-style: chr15-77310535-G-A.
Other names: c.83G>A, p.Arg28Gln (NM_001321135.2); c.56G>A, p.Arg19Gln (NM_001321136.2); c.278G>A, p.Arg93Gln (NM_001321137.1); short protein forms R93Q, R19Q, R28Q.
Identifiers: ClinVar variation 1426446 (VCV001426446.6), dbSNP rs750445188, ClinGen allele CA7675694.

ClinVar aggregate classification (germline): Uncertain significance (1 of 4 stars; one submission).

Conditions:
Pyogenic arthritis-pyoderma gangrenosum-acne syndrome (PAPA). Also called: FAMILIAL RECURRENT ARTHRITIS; PAPA SYNDROME. Identifiers: Orphanet 69126, MedGen C1858361, MONDO:0011462, OMIM 604416.

Allele frequency attached by ClinVar (database versions not stated): gnomAD 0.00001; gnomAD exomes 0.00001; TOPMed 0.00003.
gnomAD v4.1: 8 of 1,590,532 alleles (0.0005%); highest among the groups gnomAD compares: Admixed American, 0.0036%; no homozygotes.

Submission:

Labcorp Genetics (formerly Invitae), Labcorp
Classification: Uncertain significance for Pyogenic arthritis-pyoderma gangrenosum-acne syndrome. Last evaluated: 2025-02-17. Review status: criteria provided, single submitter. Criteria: Invitae Variant Classification Sherloc (09022015). Collection method: clinical testing. Allele origin: germline.
Comment: This sequence change replaces arginine, which is basic and polar, with glutamine, which is neutral and polar, at codon 28 of the PSTPIP1 protein (p.Arg28Gln). The frequency data for this variant in the population databases is considered unreliable, as metrics indicate poor data quality at this position in the gnomAD database. This variant has not been reported in the literature in individuals affected with PSTPIP1-related conditions. ClinVar contains an entry for this variant (Variation ID: 1426446). Invitae Evidence Modeling of protein sequence and biophysical properties (such as structural, functional, and spatial information, amino acid conservation, physicochemical variation, residue mobility, and thermodynamic stability) has been performed for this missense variant. However, the output from this modeling did not meet the statistical confidence thresholds required to predict the impact of this variant on PSTPIP1 protein function. In summary, the available evidence is currently insufficient to determine the role of this variant in disease. Therefore, it has been classified as a Variant of Uncertain Significance.